The following is an entry in ClinVar:

NM_000718.4(CACNA1B):c.4306G>A (p.Glu1436Lys)

Gene: CACNA1B (calcium voltage-gated channel subunit alpha1 B; plus strand). Cytogenetic location: 9q34.3.
Variant type: single nucleotide variant.
Coding change: c.4306G>A on transcript NM_000718.4 (MANE Select); coding-DNA position 4306, G replaced by A.
Protein change: p.Glu1436Lys; replaces glutamic acid 1436 with lysine.
Molecular consequence: missense variant.
Genome position (GRCh38, 1-based): chr9:138,058,248, G>A. VCF-style: chr9-138058248-G-A. GRCh37 (hg19) VCF-style: chr9-140952700-G-A.
Other names: c.4306G>A, p.Glu1436Lys (NM_001243812.2); c.4306G>A (NM_000718.3); short protein forms E1436K.
Identifiers: ClinVar variation 1957429 (VCV001957429.6), dbSNP rs1322525317, ClinGen allele CA375814379.

ClinVar aggregate classification (germline): Uncertain significance. Review status: criteria provided, multiple submitters, no conflicts (2 of 4 stars). 2 submissions from 2 submitters: Uncertain significance (2). Last evaluated 2025-05-19.

gnomAD v4.1: 19 of 1,611,792 alleles (0.0012%); highest among the groups gnomAD compares: Non-Finnish European, 0.0016%; no homozygotes.

Submissions (2):

Ambry Genetics
Classification: Uncertain significance. Last evaluated: 2025-05-19. Review status: criteria provided, single submitter. Criteria: Ambry Variant Classification Scheme 2023. Collection method: clinical testing. Allele origin: germline.

Labcorp Genetics (formerly Invitae), Labcorp
Classification: Uncertain significance. Last evaluated: 2022-02-22. Review status: criteria provided, single submitter. Criteria: Invitae Variant Classification Sherloc (09022015). Collection method: clinical testing. Allele origin: germline.
Comment: In summary, the available evidence is currently insufficient to determine the role of this variant in disease. Therefore, it has been classified as a Variant of Uncertain Significance. Algorithms developed to predict the effect of missense changes on protein structure and function are either unavailable or do not agree on the potential impact of this missense change (SIFT: "Tolerated"; PolyPhen-2: "Possibly Damaging"; Align-GVGD: "Class C0"). This variant has not been reported in the literature in individuals affected with CACNA1B-related conditions. This variant is present in population databases (no rsID available, gnomAD 0.0009%). This sequence change replaces glutamic acid, which is acidic and polar, with lysine, which is basic and polar, at codon 1436 of the CACNA1B protein (p.Glu1436Lys).